The following is an entry in ClinVar:

NM_001077418.3(TMEM231):c.241C>T (p.Leu81Phe)

Gene: TMEM231 (transmembrane protein 231; minus strand). Cytogenetic location: 16q23.1.
Variant type: single nucleotide variant.
Coding change: c.241C>T on transcript NM_001077418.3 (MANE Select); coding-DNA position 241, C replaced by T.
Protein change: p.Leu81Phe; replaces leucine 81 with phenylalanine.
Molecular consequence: missense variant. On other transcripts: non-coding transcript variant (1).
Genome position (GRCh38, 1-based): chr16:75,555,872, G>A on the plus strand (C>T on the coding strand, the complement: TMEM231 is on the minus strand). VCF-style: chr16-75555872-G-A. GRCh37 (hg19) VCF-style: chr16-75589770-G-A.
Other names: c.400C>T, p.Leu134Phe (NM_001077416.2); short protein forms L134F, L81F.
Identifiers: ClinVar variation 445818 (VCV000445818.13), dbSNP rs376555896, ClinGen allele CA8176255.

ClinVar aggregate classification (germline): Conflicting classifications of pathogenicity. Review status: criteria provided, conflicting classifications (1 of 4 stars). 7 submissions from 7 submitters: Pathogenic (2); Likely pathogenic (2); Uncertain significance (1). 2 of the submissions do not count toward it. Last evaluated 2026-03-30.

Conditions:
Meckel syndrome, type 11 (MKS11). Identifiers: Orphanet 564, MedGen C3809352, MONDO:0014164, OMIM 615397.
Joubert syndrome 20 (JBTS20). Identifiers: Orphanet 475, MedGen C3554235, MONDO:0013994, OMIM 614970.
TMEM231-related disorder. Also called: TMEM231-related condition.
Ciliopathy. Also called: Ciliopathies. Identifiers: Orphanet 363250, MedGen C4277690, MONDO:0005308, MeSH D000072661.
Joubert syndrome and related disorders. Identifiers: Orphanet 140874, MedGen C5679612, MONDO:0015369.

Allele frequency attached by ClinVar (database versions not stated): gnomAD exomes 0.00002; TOPMed 0.00002; gnomAD 0.00003; ExAC 0.00005; ESP Exome Variant Server 0.00008.
gnomAD v4.1: 107 of 1,591,210 alleles (0.0067%); highest among the groups gnomAD compares: Non-Finnish European, 0.0087%; no homozygotes.

Submissions (7):

Women's Health and Genetics/Laboratory Corporation of America, LabCorp
Classification: Pathogenic for Joubert syndrome and related disorders. Last evaluated: 2026-03-30. Review status: criteria provided, single submitter. Criteria: LabCorp Variant Classification Summary - May 2015. Collection method: clinical testing. Allele origin: germline.
Comment: Variant summary: TMEM231 c.400C>T (p.Leu134Phe) results in a non-conservative amino acid change in the encoded protein sequence. Algorithms developed to predict the effect of missense changes on protein structure and function are either unavailable or do not agree on the potential impact of this missense change. The variant allele was found at a frequency of 1.9e-05 in 212802 control chromosomes. c.400C>T has been observed in multiple compound heterozygous and homozygous individuals affected with Joubert Syndrome And Related Disorders (Roberson_2015, Braun_2016, NakhlehFrancis_2023, Kulyamzin_2025). These data indicate that the variant is very likely to be associated with disease. At least one publication reports experimental evidence evaluating an impact on protein function, however, does not allow convincing conclusions about the variant effect. The following publications have been ascertained in the context of this evaluation (PMID: 26489029, 40725402, 39669259, 25869670). ClinVar contains an entry for this variant (Variation ID: 445818). Based on the evidence outlined above, the variant was classified as pathogenic.

Labcorp Genetics (formerly Invitae), Labcorp
Classification: Likely pathogenic for Joubert syndrome 20; Meckel syndrome, type 11. Last evaluated: 2025-04-13. Review status: criteria provided, single submitter. Criteria: Invitae Variant Classification Sherloc (09022015). Collection method: clinical testing. Allele origin: germline.
Comment: This sequence change replaces leucine, which is neutral and non-polar, with phenylalanine, which is neutral and non-polar, at codon 134 of the TMEM231 protein (p.Leu134Phe). The frequency data for this variant in the population databases is considered unreliable, as metrics indicate poor data quality at this position in the gnomAD database. This missense change has been observed in individual(s) with clinical features of Joubert syndrome (PMID: 25869670). In at least one individual the data is consistent with being in trans (on the opposite chromosome) from a pathogenic variant. It has also been observed to segregate with disease in related individuals. This variant is also known as c.241C>T (p.Leu81Phe). ClinVar contains an entry for this variant (Variation ID: 445818). Algorithms developed to predict the effect of variants on gene product structure and function are not available or were not evaluated for this variant. Experimental studies have shown that this missense change affects TMEM231 function (PMID: 25869670). In summary, the currently available evidence indicates that the variant is pathogenic, but additional data are needed to prove that conclusively. Therefore, this variant has been classified as Likely Pathogenic.

Blueprint Genetics
Classification: Likely pathogenic for TMEM231-related disorders. Last evaluated: 2023-07-11. Review status: criteria provided, single submitter. Criteria: ACMG Guidelines, 2015. Collection method: clinical testing. Allele origin: germline. Affected: yes. Observed: 5 variant alleles.

Center for Pediatric Genomic Medicine, Children's Mercy Hospital and Clinics
Classification: Uncertain significance. Last evaluated: 2017-05-08. Review status: criteria provided, single submitter. Criteria: ACMG Guidelines, 2015. Collection method: clinical testing. Allele origin: germline.

Lifecell International Pvt. Ltd
Classification: Pathogenic for Joubert syndrome 20. Review status: criteria provided, single submitter. Criteria: ACMG Guidelines, 2015. Collection method: clinical testing. Allele origin: germline. Inheritance: Autosomal recessive inheritance. Affected: yes. Observed: 1 homozygote.
Comment: A Homozygote Missense variant c.400C>T in Exon 1 of the TMEM231 gene that results in the amino acid substitution p.Leu134Phe was identified. The observed variant has a minor allele frequency of 0.00002 in gnomAD exomes. The severity of the impact of this variant on the protein is high, based on the effect of the protein and REVEL score . Rare Exome Variant Ensemble Learner (REVEL) is an ensembl method for predicting the pathogenicity of missense variants based on a combination of scores from 13 individual tools: MutPred, FATHMM v2.3, VEST 3.0, PolyPhen-2, SIFT, PROVEAN, MutationAssessor, MutationTaster, LRT, GERP++, SiPhy, phyloP, and phastCons. The REVEL score for an individual missense variant can range from 0 to 1, with higher scores reflecting greater likelihood that the variant is disease-causing. ClinVar has also classified this variant as LikelyPathogenic (Variant ID: 445818). This missense variant has been observed in individual(s) with clinical features of Joubert syndrome. Experimental studies have shown that this missense change affects TMEM231 gene function (Roberson EC et al., 2015). Based on the above evidence this variant has been classified as Pathogenic according to the ACMG guidelines.

PreventionGenetics, part of Exact Sciences
Classification: Uncertain significance for TMEM231-related condition. Last evaluated: 2024-08-12. Review status: no assertion criteria provided. Collection method: clinical testing. Allele origin: germline. Not counted in ClinVar's aggregate classification.
Comment: The TMEM231 c.400C>T variant is predicted to result in the amino acid substitution p.Leu134Phe. This variant was reported as c.241C>T in two related individuals with orofacial dysmorphism alongside another variant reported as c.373C>G (Braun et al. 2015. PubMed ID: 26489029; Roberson et al. 2015. PubMed ID: 25869670) and in one individual with a retinal disease (Sharon et al. 2019. PubMed ID: 31456290). This variant is reported in 0.0084% of alleles in individuals of African descent in gnomAD. Although we suspect that this variant may well be pathogenic, it is interpreted as uncertain at this time due to lack of conclusive functional and genetic evidence.

Sharon lab, Hadassah-Hebrew University Medical Center
Classification: Likely pathogenic for ciliopathy. Last evaluated: 2019-06-23. Review status: no assertion criteria provided. Collection method: research. Allele origin: inherited. Affected: yes. Not counted in ClinVar's aggregate classification.

Literature cited by the submitters: PubMed 26489029 (cited by Women's Health and Genetics/Laboratory Corporation of America, LabCorp); PubMed 25869670 (cited by 3 submitters); PubMed 40725402 (cited by Women's Health and Genetics/Laboratory Corporation of America, LabCorp); PubMed 39669259 (cited by Women's Health and Genetics/Laboratory Corporation of America, LabCorp).